The following is an entry in ClinVar:

NM_003737.4(DCHS1):c.47G>A (p.Ser16Asn)

Gene: DCHS1 (dachsous cadherin-related 1; minus strand). Cytogenetic location: 11p15.4.
Variant type: single nucleotide variant.
Coding change: c.47G>A on transcript NM_003737.4 (MANE Select); coding-DNA position 47, G replaced by A.
Protein change: p.Ser16Asn; replaces serine 16 with asparagine.
Molecular consequence: missense variant.
Genome position (GRCh38, 1-based): chr11:6,641,567, C>T on the plus strand (G>A on the coding strand, the complement: DCHS1 is on the minus strand). VCF-style: chr11-6641567-C-T. GRCh37 (hg19) VCF-style: chr11-6662798-C-T.
Other names: short protein forms S16N.
Identifiers: ClinVar variation 2121928 (VCV002121928.4), dbSNP rs756099590, ClinGen allele CA379444769.

ClinVar aggregate classification (germline): Uncertain significance (1 of 4 stars; one submission).

Submission:

Labcorp Genetics (formerly Invitae), Labcorp
Classification: Uncertain significance. Last evaluated: 2022-09-27. Review status: criteria provided, single submitter. Criteria: Invitae Variant Classification Sherloc (09022015). Collection method: clinical testing. Allele origin: germline.
Comment: This sequence change replaces serine, which is neutral and polar, with asparagine, which is neutral and polar, at codon 16 of the DCHS1 protein (p.Ser16Asn). This variant is not present in population databases (gnomAD no frequency). In summary, the available evidence is currently insufficient to determine the role of this variant in disease. Therefore, it has been classified as a Variant of Uncertain Significance. Advanced modeling of protein sequence and biophysical properties (such as structural, functional, and spatial information, amino acid conservation, physicochemical variation, residue mobility, and thermodynamic stability) performed at Invitae indicates that this missense variant is not expected to disrupt DCHS1 protein function. This variant has not been reported in the literature in individuals affected with DCHS1-related conditions.